The following is an entry in ClinVar:

NM_000059.4(BRCA2):c.8495A>G (p.Glu2832Gly)

Gene: BRCA2 (BRCA2 DNA repair associated; plus strand). Cytogenetic location: 13q13.1.
Variant type: single nucleotide variant.
Coding change: c.8495A>G on transcript NM_000059.4 (MANE Select); coding-DNA position 8495, A replaced by G.
Protein change: p.Glu2832Gly; replaces glutamic acid 2832 with glycine.
Molecular consequence: missense variant. On other transcripts: non-coding transcript variant (1).
Genome position (GRCh38, 1-based): chr13:32,370,963, A>G. VCF-style: chr13-32370963-A-G. GRCh37 (hg19) VCF-style: chr13-32945100-A-G.
Other names: c.8399A>G, p.Glu2800Gly (NM_001406719.1); c.8495A>G, p.Glu2832Gly (NM_001406720.1, NM_001432077.1); c.3563A>G, p.Glu1188Gly (NM_001406721.1); c.2078A>G, p.Glu693Gly (NM_001406722.1); short protein forms E2800G, E1188G, E2832G, E693G.
Identifiers: ClinVar variation 3572370 (VCV003572370.1).

ClinVar aggregate classification (germline): Uncertain significance (1 of 4 stars; one submission).

Submission:

Quest Diagnostics Nichols Institute San Juan Capistrano
Classification: Uncertain significance. Last evaluated: 2024-10-31. Review status: criteria provided, single submitter. Criteria: Quest Diagnostics criteria. Collection method: clinical testing. Allele origin: unknown.
Comment: The BRCA2 c.8495A>G (p.Glu2832Gly) variant has been reported in the published literature in an individual with endometrial carcinoma (PMID: 29684080 (2018)). The frequency of this variant in the general population, 0.00018 (3/16234 chromosomes (Genome Aggregation Database)), is uninformative in the assessment of its pathogenicity. Analysis of this variant using bioinformatics tools for the prediction of the effect of amino acid changes on protein structure and function yielded predictions that this variant is damaging. Based on the available information, we are unable to determine the clinical significance of this variant.

Literature cited by the submitters: PubMed 29684080.